The following is an entry in ClinVar:

NM_001040108.2(MLH3):c.1521G>A (p.Met507Ile)

Gene: MLH3 (mutL homolog 3; minus strand). Cytogenetic location: 14q24.3.
Variant type: single nucleotide variant.
Coding change: c.1521G>A on transcript NM_001040108.2 (MANE Select); coding-DNA position 1521, G replaced by A.
Protein change: p.Met507Ile; replaces methionine 507 with isoleucine.
Molecular consequence: missense variant.
Genome position (GRCh38, 1-based): chr14:75,048,135, C>T on the plus strand (G>A on the coding strand, the complement: MLH3 is on the minus strand). VCF-style: chr14-75048135-C-T. GRCh37 (hg19) VCF-style: chr14-75514838-C-T.
Other names: c.1521G>A, p.Met507Ile (NM_014381.3); short protein forms M507I.
Identifiers: ClinVar variation 857289 (VCV000857289.13), dbSNP rs756756799, ClinGen allele CA7275855.

ClinVar aggregate classification (germline): Conflicting classifications of pathogenicity. Review status: criteria provided, conflicting classifications (1 of 4 stars). 2 submissions from 2 submitters: Uncertain significance (1); Likely benign (1). Last evaluated 2025-09-10.

Conditions:
Colorectal cancer, hereditary nonpolyposis, type 7. Identifiers: Orphanet 144, MedGen C1858380, MONDO:0013725, OMIM 614385.

Allele frequency attached by ClinVar (database versions not stated): TOPMed below 0.00001; ExAC 0.00001; gnomAD exomes 0.00001.
gnomAD v4.1: 6 of 1,614,198 alleles (0.00037%); highest among the groups gnomAD compares: Middle Eastern, 0.016%; no homozygotes.

Submissions (2):

Ambry Genetics
Classification: Likely benign. Last evaluated: 2025-09-10. Review status: criteria provided, single submitter. Criteria: Ambry Variant Classification Scheme 2023. Collection method: clinical testing. Allele origin: germline.

Labcorp Genetics (formerly Invitae), Labcorp
Classification: Uncertain significance for Colorectal cancer, hereditary nonpolyposis, type 7. Last evaluated: 2021-08-12. Review status: criteria provided, single submitter. Criteria: Invitae Variant Classification Sherloc (09022015). Collection method: clinical testing. Allele origin: germline.
Comment: In summary, the available evidence is currently insufficient to determine the role of this variant in disease. Therefore, it has been classified as a Variant of Uncertain Significance. Algorithms developed to predict the effect of missense changes on protein structure and function output the following: SIFT: "Tolerated"; PolyPhen-2: "Benign"; Align-GVGD: "Class C0". The isoleucine amino acid residue is found in multiple mammalian species, suggesting that this missense change does not adversely affect protein function. These predictions have not been confirmed by published functional studies and their clinical significance is uncertain. This variant has not been reported in the literature in individuals with MLH3-related conditions. This variant is present in population databases (rs756756799, ExAC 0.001%). This sequence change replaces methionine with isoleucine at codon 507 of the MLH3 protein (p.Met507Ile). The methionine residue is weakly conserved and there is a small physicochemical difference between methionine and isoleucine.